The following is an entry in ClinVar:

NM_006363.6(SEC23B):c.1666-3T>C

Gene: SEC23B (SEC23 homolog B, COPII component; plus strand). Cytogenetic location: 20p11.23.
Variant type: single nucleotide variant.
Coding change: c.1666-3T>C on transcript NM_006363.6 (MANE Select); 3 bases into the intron before coding-DNA position 1666, T replaced by C.
Molecular consequence: intron variant.
Genome position (GRCh38, 1-based): chr20:18,545,953, T>C. VCF-style: chr20-18545953-T-C. GRCh37 (hg19) VCF-style: chr20-18526597-T-C.
Other names: c.1666-3T>C (NM_032986.5, NM_001172745.3, NM_032985.6); c.1612-3T>C (NM_001172746.3).
Identifiers: ClinVar variation 2062428 (VCV002062428.4), dbSNP rs190533005, ClinGen allele CA9778459.
Genomic context (GRCh38, chr20:18,545,953, plus strand): 5'-ACTTAGATTTTTCTCTCTCTTTTTGTGTGTGTTTGTTTGTTTTTTGGTATTTTCTTTCCA[T>C]AGTGTCAAAAGTTTGGACAGTATAACAAAGAAGACCCCACTTCTTTTAGGTTATCAGATT-3'

ClinVar aggregate classification (germline): Uncertain significance. Review status: criteria provided, multiple submitters, no conflicts (2 of 4 stars). 2 submissions from 2 submitters: Uncertain significance (2). Last evaluated 2022-10-18.

Conditions:
Congenital dyserythropoietic anemia, type II (CDAN2). Also called: DYSERYTHROPOIETIC ANEMIA, HEMPAS TYPE. Identifiers: Orphanet 98873, MedGen C1306589, MONDO:0009134, OMIM 224100.
Cowden syndrome 7 (CWS7). Identifiers: Orphanet 201, MedGen C4225179, MONDO:0014802, OMIM 616858.

Allele frequency attached by ClinVar (database versions not stated): gnomAD exomes below 0.00001; ExAC 0.00002; gnomAD 0.00007; ESP Exome Variant Server 0.00008; TOPMed 0.00008; 1000 Genomes Project 0.00020; 1000 Genomes Project 30x 0.00031.
gnomAD v4.1: 15 of 1,543,582 alleles (0.00097%); highest among the groups gnomAD compares: African/African-American, 0.019%; no homozygotes.

Submissions (2):

Revvity Omics, Revvity
Classification: Uncertain significance. Last evaluated: 2022-10-18. Review status: criteria provided, single submitter. Criteria: ACMG Guidelines, 2015. Collection method: clinical testing. Allele origin: germline.

Labcorp Genetics (formerly Invitae), Labcorp
Classification: Uncertain significance for Congenital dyserythropoietic anemia, type II; Cowden syndrome 7. Last evaluated: 2022-10-17. Review status: criteria provided, single submitter. Criteria: Invitae Variant Classification Sherloc (09022015). Collection method: clinical testing. Allele origin: germline.
Comment: This sequence change falls in intron 14 of the SEC23B gene. It does not directly change the encoded amino acid sequence of the SEC23B protein. It affects a nucleotide within the consensus splice site. This variant is present in population databases (rs190533005, gnomAD 0.02%). This variant has not been reported in the literature in individuals affected with SEC23B-related conditions. Variants that disrupt the consensus splice site are a relatively common cause of aberrant splicing (PMID: 17576681, 9536098). Algorithms developed to predict the effect of sequence changes on RNA splicing suggest that this variant is not likely to affect RNA splicing. In summary, the available evidence is currently insufficient to determine the role of this variant in disease. Therefore, it has been classified as a Variant of Uncertain Significance.

Literature cited by the submitters: PubMed 17576681 (cited by Labcorp Genetics (formerly Invitae), Labcorp); PubMed 9536098 (cited by Labcorp Genetics (formerly Invitae), Labcorp).